The following is an entry in ClinVar:

NM_000492.4(CFTR):c.3185T>C (p.Leu1062Pro)

Genes: CFTR (CF transmembrane conductance regulator; plus strand), CFTR-AS2 (CFTR antisense RNA 2; minus strand), LOC111674472 (DNase I hypersensitive sites in introns 16 and 17a of CFTR; plus strand). Cytogenetic location: 7q31.2.
Variant type: single nucleotide variant.
Coding change: c.3185T>C on transcript NM_000492.4 (MANE Select); coding-DNA position 3185, T replaced by C.
Protein change: p.Leu1062Pro; replaces leucine 1062 with proline.
Molecular consequence: missense variant.
Genome position (GRCh38, 1-based): chr7:117,611,626, T>C. VCF-style: chr7-117611626-T-C. GRCh37 (hg19) VCF-style: chr7-117251680-T-C.
Other names: c.3185T>C (NM_000492.3); short protein forms L1062P.
Identifiers: ClinVar variation 1394377 (VCV001394377.7), dbSNP rs2116084329, ClinGen allele CA368991997.

ClinVar aggregate classification (germline): Uncertain significance. Review status: criteria provided, multiple submitters, no conflicts (2 of 4 stars). 2 submissions from 2 submitters: Uncertain significance (2). Last evaluated 2025-08-15.

Conditions:
Cystic fibrosis (CF). Also called: MUCOVISCIDOSIS. Identifiers: Orphanet 586, MedGen C0010674, MONDO:0009061, OMIM 219700. Disease mechanism: loss of function.

Allele frequency attached by ClinVar (database versions not stated): gnomAD exomes below 0.00001.
gnomAD v4.1: 1 of 1,613,508 alleles (0.000062%); highest among the groups gnomAD compares: Middle Eastern, 0.017%; no homozygotes.

Submissions (2):

Labcorp Genetics (formerly Invitae), Labcorp
Classification: Uncertain significance for Cystic fibrosis. Last evaluated: 2025-08-15. Review status: criteria provided, single submitter. Criteria: Invitae Variant Classification Sherloc (09022015). Collection method: clinical testing. Allele origin: germline.
Comment: This sequence change replaces leucine, which is neutral and non-polar, with proline, which is neutral and non-polar, at codon 1062 of the CFTR protein (p.Leu1062Pro). This variant is not present in population databases (gnomAD no frequency). This variant has not been reported in the literature in individuals affected with CFTR-related conditions. ClinVar contains an entry for this variant (Variation ID: 1394377). Invitae Evidence Modeling of protein sequence and biophysical properties (such as structural, functional, and spatial information, amino acid conservation, physicochemical variation, residue mobility, and thermodynamic stability) indicates that this missense variant is expected to disrupt CFTR protein function with a positive predictive value of 80%. In summary, the available evidence is currently insufficient to determine the role of this variant in disease. Therefore, it has been classified as a Variant of Uncertain Significance.

Johns Hopkins Genomics, Johns Hopkins University
Classification: Uncertain significance for Cystic fibrosis. Last evaluated: 2024-09-06. Review status: criteria provided, single submitter. Criteria: ACMG Guidelines, 2015. Collection method: clinical testing. Allele origin: germline.
Comment: This CFTR missense variant (rs2116084329) is rare (<0.1%) in a large population dataset (gnomADv4.1.1: 1/1613508 total alleles; 0.00006%; no homozygotes) and has been reported in ClinVar (Variation ID: 1394377). It has not been reported in the literature in individuals with cystic fibrosis, to our knowledge. Three bioinformatic tools queried, including a recently published deep learning model, predict that this substitution would be damaging and the leucine residue at this position is evolutionarily conserved across all species assessed. Due to the lack of variant segregation and functional data, we consider the clinical significance of c.3185T>C to be uncertain at this time.